The following is an entry in ClinVar:

ClinVar aggregate classification (germline): Likely pathogenic (1 of 4 stars; one submission).

Submission:

Labcorp Genetics (formerly Invitae), Labcorp
Classification: Likely pathogenic. Last evaluated: 2023-08-14. Review status: criteria provided, single submitter. Criteria: Invitae Variant Classification Sherloc (09022015). Collection method: clinical testing. Allele origin: germline.
Comment: In summary, the currently available evidence indicates that the variant is pathogenic, but additional data are needed to prove that conclusively. Therefore, this variant has been classified as Likely Pathogenic. This sequence change affects a donor splice site in intron 27 of the DUOX2 gene. It is expected to disrupt RNA splicing. Variants that disrupt the donor or acceptor splice site typically lead to a loss of protein function (PMID: 16199547), and loss-of-function variants in DUOX2 are known to be pathogenic (PMID: 12110737, 18765513, 21565790, 24423310, 24735383). This variant is not present in population databases (gnomAD no frequency). This variant has not been reported in the literature in individuals affected with DUOX2-related conditions. Algorithms developed to predict the effect of sequence changes on RNA splicing suggest that this variant may disrupt the consensus splice site.

Literature cited by the submitters: PubMed 16199547; PubMed 12110737; PubMed 18765513; PubMed 21565790; PubMed 24423310; PubMed 24735383.

NM_001363711.2(DUOX2):c.3565+1G>T

Gene: DUOX2 (dual oxidase 2; minus strand). Cytogenetic location: 15q21.1.
Variant type: single nucleotide variant.
Coding change: c.3565+1G>T on transcript NM_001363711.2 (MANE Select); the canonical splice donor site of the intron after coding-DNA position 3565, G replaced by T.
Molecular consequence: splice donor variant.
Genome position (GRCh38, 1-based): chr15:45,098,008, C>A on the plus strand (G>T on the coding strand, the complement: DUOX2 is on the minus strand). VCF-style: chr15-45098008-C-A. GRCh37 (hg19) VCF-style: chr15-45390206-C-A.
Other names: c.3565+1G>T (NM_014080.5).
Identifiers: ClinVar variation 2752525 (VCV002752525.3), dbSNP rs2504745479, ClinGen allele CA392257779.